The following is an entry in ClinVar:

ClinVar aggregate classification (germline): Uncertain significance. Review status: criteria provided, single submitter (1 of 4 stars). 2 submissions from 2 submitters: Uncertain significance (1). 1 of the submissions does not count toward it. Last evaluated 2024-02-17.

Conditions:
Athabaskan severe combined immunodeficiency (SCIDA). Also called: Severe combined immunodeficiency, athabascan-type. Identifiers: MedGen C1865370.
Severe combined immunodeficiency due to DCLRE1C deficiency (RS-SCID). Also called: SCID, AUTOSOMAL RECESSIVE, T CELL-NEGATIVE, B CELL-NEGATIVE, NK CELL-POSITIVE, WITH SENSITIVITY TO IONIZING RADIATION. Identifiers: Orphanet 275, MedGen C1865371, MONDO:0011225, OMIM 602450.

Allele frequency attached by ClinVar (database versions not stated): gnomAD exomes 0.00001 and below 0.00001; ExAC 0.00002.

Submissions (2):

Labcorp Genetics (formerly Invitae), Labcorp
Classification: Uncertain significance for Athabaskan severe combined immunodeficiency. Last evaluated: 2024-02-17. Review status: criteria provided, single submitter. Criteria: Invitae Variant Classification Sherloc (09022015). Collection method: clinical testing. Allele origin: germline.
Comment: This sequence change replaces arginine, which is basic and polar, with serine, which is neutral and polar, at codon 579 of the DCLRE1C protein (p.Arg579Ser). This variant is present in population databases (rs749263367, gnomAD 0.002%). This variant has not been reported in the literature in individuals affected with DCLRE1C-related conditions. ClinVar contains an entry for this variant (Variation ID: 843888). An algorithm developed to predict the effect of missense changes on protein structure and function (PolyPhen-2) suggests that this variant is likely to be tolerated. In summary, the available evidence is currently insufficient to determine the role of this variant in disease. Therefore, it has been classified as a Variant of Uncertain Significance.

Natera, Inc.
Classification: Uncertain significance for Athabascan severe combined immunodeficiency. Last evaluated: 2021-09-17. Review status: no assertion criteria provided. Collection method: clinical testing. Allele origin: germline. Not counted in ClinVar's aggregate classification.

NM_001033855.3(DCLRE1C):c.1737A>T (p.Arg579Ser)

Gene: DCLRE1C (DNA cross-link repair 1C; minus strand). Cytogenetic location: 10p13.
Variant type: single nucleotide variant.
Coding change: c.1737A>T on transcript NM_001033855.3 (MANE Select); coding-DNA position 1737, A replaced by T.
Protein change: p.Arg579Ser; replaces arginine 579 with serine.
Molecular consequence: missense variant. On other transcripts: non-coding transcript variant (4).
Genome position (GRCh38, 1-based): chr10:14,908,750, T>A on the plus strand (A>T on the coding strand, the complement: DCLRE1C is on the minus strand). VCF-style: chr10-14908750-T-A. GRCh37 (hg19) VCF-style: chr10-14950749-T-A.
Other names: c.1377A>T, p.Arg459Ser (NM_001033857.3, NM_001033858.3, NM_001289077.2 and 2 more transcripts); c.1392A>T, p.Arg464Ser (NM_001289076.2, NM_001289078.2, NM_001350966.2 and 1 more transcripts); c.1737A>T, p.Arg579Ser (NM_001350965.2); short protein forms R464S, R579S, R459S.
Identifiers: ClinVar variation 843888 (VCV000843888.7), dbSNP rs749263367, ClinGen allele CA5416419.